The following is an entry in ClinVar:

NM_020693.4(DSCAML1):c.2882G>A (p.Arg961His)

Gene: DSCAML1 (DS cell adhesion molecule like 1; minus strand). Cytogenetic location: 11q23.3.
Variant type: single nucleotide variant.
Coding change: c.2882G>A on transcript NM_020693.4 (MANE Select); coding-DNA position 2882, G replaced by A.
Protein change: p.Arg961His; replaces arginine 961 with histidine.
Molecular consequence: missense variant.
Genome position (GRCh38, 1-based): chr11:117,471,940, C>T on the plus strand (G>A on the coding strand, the complement: DSCAML1 is on the minus strand). VCF-style: chr11-117471940-C-T. GRCh37 (hg19) VCF-style: chr11-117342655-C-T.
Other names: short protein forms R961H.
Identifiers: ClinVar variation 1913764 (VCV001913764.5), dbSNP rs755981103, ClinGen allele CA229374727.

ClinVar aggregate classification (germline): Uncertain significance (1 of 4 stars; one submission).

gnomAD v4.1: 11 of 1,613,974 alleles (0.00068%); highest among the groups gnomAD compares: Admixed American, 0.0033%; no homozygotes.

Submission:

Labcorp Genetics (formerly Invitae), Labcorp
Classification: Uncertain significance. Last evaluated: 2024-10-29. Review status: criteria provided, single submitter. Criteria: Invitae Variant Classification Sherloc (09022015). Collection method: clinical testing. Allele origin: germline.
Comment: This sequence change replaces arginine, which is basic and polar, with histidine, which is basic and polar, at codon 1021 of the DSCAML1 protein (p.Arg1021His). This variant is present in population databases (no rsID available, gnomAD 0.006%). This variant has not been reported in the literature in individuals affected with DSCAML1-related conditions. ClinVar contains an entry for this variant (Variation ID: 1913764). An algorithm developed to predict the effect of missense changes on protein structure and function (PolyPhen-2) suggests that this variant is likely to be disruptive. In summary, the available evidence is currently insufficient to determine the role of this variant in disease. Therefore, it has been classified as a Variant of Uncertain Significance.